The following is an entry in ClinVar:

ClinVar aggregate classification (germline): Likely benign. Review status: criteria provided, multiple submitters, no conflicts (2 of 4 stars). 4 submissions from 4 submitters: Likely benign (4). Last evaluated 2025-12-01.

Conditions:
ADGRV1-related disorder. Also called: ADGRV1-related disorders; ADGRV1-related condition.

Allele frequency attached by ClinVar (database versions not stated): gnomAD exomes below 0.00001 and 0.00001; ExAC 0.00002; TOPMed 0.00002.
gnomAD v4.1: 5 of 1,613,800 alleles (0.00031%); highest among the groups gnomAD compares: Non-Finnish European, 0.000085%; no homozygotes.

Submissions (4):

CeGaT Center for Human Genetics Tuebingen
Classification: Likely benign. Last evaluated: 2025-12-01. Review status: criteria provided, single submitter. Criteria: CeGaT Center For Human Genetics Tuebingen Variant Classification Criteria Version 2. Collection method: clinical testing. Allele origin: germline. Affected: yes. Observed: 1 variant allele.
Comment: ADGRV1: BP4, BP7

Labcorp Genetics (formerly Invitae), Labcorp
Classification: Likely benign. Last evaluated: 2025-10-20. Review status: criteria provided, single submitter. Criteria: Invitae Variant Classification Sherloc (09022015). Collection method: clinical testing. Allele origin: germline.

PreventionGenetics, part of Exact Sciences
Classification: Likely benign for ADGRV1-related condition. Last evaluated: 2025-09-29. Review status: criteria provided, single submitter. Criteria: ACMG Guidelines, 2015. Collection method: clinical testing. Allele origin: germline.
Comment: This variant is classified as likely benign based on ACMG/AMP sequence variant interpretation guidelines (Richards et al. 2015 PMID: 25741868, with internal and published modifications).

Blueprint Genetics
Classification: Likely benign. Last evaluated: 2023-08-31. Review status: criteria provided, single submitter. Criteria: ACMG Guidelines, 2015. Collection method: clinical testing. Allele origin: germline.

NM_032119.4(ADGRV1):c.18234G>A (p.Val6078=)

Gene: ADGRV1 (adhesion G protein-coupled receptor V1; plus strand). Cytogenetic location: 5q14.3.
Variant type: single nucleotide variant.
Coding change: c.18234G>A on transcript NM_032119.4 (MANE Select); coding-DNA position 18234, G replaced by A.
Protein change: p.Val6078=; no amino-acid change (valine 6078 retained).
Molecular consequence: synonymous variant. On other transcripts: non-coding transcript variant (1).
Genome position (GRCh38, 1-based): chr5:91,072,528, G>A. VCF-style: chr5-91072528-G-A. GRCh37 (hg19) VCF-style: chr5-90368345-G-A.
Identifiers: ClinVar variation 736320 (VCV000736320.16), dbSNP rs766418513, ClinGen allele CA3342599.